The following is an entry in ClinVar:

NM_001999.4(FBN2):c.2161G>A (p.Gly721Ser)

Gene: FBN2 (fibrillin 2; minus strand). Cytogenetic location: 5q23.3.
Variant type: single nucleotide variant.
Coding change: c.2161G>A on transcript NM_001999.4 (MANE Select); coding-DNA position 2161, G replaced by A.
Protein change: p.Gly721Ser; replaces glycine 721 with serine.
Molecular consequence: missense variant.
Genome position (GRCh38, 1-based): chr5:128,369,269, C>T on the plus strand (G>A on the coding strand, the complement: FBN2 is on the minus strand). VCF-style: chr5-128369269-C-T. GRCh37 (hg19) VCF-style: chr5-127704962-C-T.
Other names: short protein forms G721S.
Identifiers: ClinVar variation 129037 (VCV000129037.25), dbSNP rs149733159, ClinGen allele CA288814.

ClinVar aggregate classification (germline): Conflicting classifications of pathogenicity. Review status: criteria provided, conflicting classifications (1 of 4 stars). 6 submissions from 6 submitters: Uncertain significance (2); Likely benign (3). 1 of the submissions does not count toward it. Last evaluated 2025-12-31.

Conditions:
FBN2-related disorder. Also called: FBN2-related condition.
Familial thoracic aortic aneurysm and aortic dissection (TAAD). Also called: Thoracic aortic aneurysms and dissections. Identifiers: Orphanet 91387, MedGen C4707243, MONDO:0019625.
Congenital contractural arachnodactyly (CCA). Also called: BEALS SYNDROME; Beals-Hecht syndrome; Arthrogryposis, distal, type 9. Identifiers: Orphanet 115, MedGen C0220668, MONDO:0007363, OMIM 121050.

Allele frequency attached by ClinVar (database versions not stated): TOPMed 0.00004; ESP Exome Variant Server 0.00008.
gnomAD v4.1: 154 of 1,613,908 alleles (0.0095%); highest among the groups gnomAD compares: Non-Finnish European, 0.012%; no homozygotes.

Submissions (6):

Labcorp Genetics (formerly Invitae), Labcorp
Classification: Likely benign for Congenital contractural arachnodactyly. Last evaluated: 2025-12-31. Review status: criteria provided, single submitter. Criteria: Invitae Variant Classification Sherloc (09022015). Collection method: clinical testing. Allele origin: germline.

GeneDx
Classification: Uncertain significance. Last evaluated: 2025-06-03. Review status: criteria provided, single submitter. Criteria: GeneDx Variant Classification Process June 2021. Collection method: clinical testing. Allele origin: germline. Affected: yes.
Comment: Identified in a patient with thoracic aortic aneurysm (TAA) in published literature (PMID: 35830949); In silico analysis supports that this missense variant has a deleterious effect on protein structure/function; This variant is associated with the following publications: (PMID: 18767143, 19006240, 35830949)

Ambry Genetics
Classification: Uncertain significance for Familial thoracic aortic aneurysm and aortic dissection. Last evaluated: 2024-12-16. Review status: criteria provided, single submitter. Criteria: Ambry Variant Classification Scheme 2023. Collection method: clinical testing. Allele origin: germline.
Comment: The p.G721S variant (also known as c.2161G>A), located in coding exon 16 of the FBN2 gene, results from a G to A substitution at nucleotide position 2161. The glycine at codon 721 is replaced by serine, an amino acid with similar properties. This amino acid position is highly conserved in available vertebrate species. In addition, this alteration is predicted to be deleterious by in silico analysis. Based on the available evidence, the clinical significance of this variant remains unclear.

Women's Health and Genetics/Laboratory Corporation of America, LabCorp
Classification: Likely benign. Last evaluated: 2024-09-30. Review status: criteria provided, single submitter. Criteria: LabCorp Variant Classification Summary - May 2015. Collection method: clinical testing. Allele origin: germline.
Comment: Variant summary: FBN2 c.2161G>A (p.Gly721Ser) results in a non-conservative amino acid change located in the TB domain (IPR017878) of the encoded protein sequence. Four of four in-silico tools predict a damaging effect of the variant on protein function. The variant allele was found at a frequency of 7.2e-05 in 251282 control chromosomes, predominantly at a frequency of 0.00012 within the Non-Finnish European subpopulation in the gnomAD database. The observed variant frequency within Non-Finnish European control individuals in the gnomAD database is approximately 96 fold of the estimated maximal expected allele frequency for a pathogenic variant in FBN2 causing Aortopathy phenotype (1.3e-06). To our knowledge, no experimental evidence demonstrating its impact on protein function has been reported. ClinVar contains an entry for this variant (Variation ID: 129037). Based on the evidence outlined above, the variant was classified as likely benign.

Genetic Services Laboratory, University of Chicago
Classification: Likely benign for AllHighlyPenetrant. Last evaluated: 2013-11-25. Review status: criteria provided, single submitter. Criteria: ACMG Guidelines, 2007. Collection method: clinical testing. Allele origin: germline. Inheritance: Autosomal dominant inheritance.

PreventionGenetics, part of Exact Sciences
Classification: Uncertain significance for FBN2-related condition. Last evaluated: 2024-08-26. Review status: no assertion criteria provided. Collection method: clinical testing. Allele origin: germline. Not counted in ClinVar's aggregate classification.
Comment: The FBN2 c.2161G>A variant is predicted to result in the amino acid substitution p.Gly721Ser. This variant has been reported in an individual with ascending non-syndromic thoracic aortic aneurysm (Salmasi et al. 2022. PubMed ID: 35830949). This variant is reported in 0.012% of alleles in individuals of European (Non-Finnish) descent in gnomAD. At this time, the clinical significance of this variant is uncertain due to the absence of conclusive functional and genetic evidence.